The following is an entry in ClinVar:

NM_001330288.2(SMARCC2):c.2523C>T (p.Ser841=)

Gene: SMARCC2 (SWI/SNF related BAF chromatin remodeling complex subunit C2; minus strand). Cytogenetic location: 12q13.2.
Variant type: single nucleotide variant.
Coding change: c.2523C>T on transcript NM_001330288.2 (MANE Select); coding-DNA position 2523, C replaced by T.
Protein change: p.Ser841=; no amino-acid change (serine 841 retained).
Molecular consequence: synonymous variant.
Genome position (GRCh38, 1-based): chr12:56,169,801, G>A on the plus strand (C>T on the coding strand, the complement: SMARCC2 is on the minus strand). VCF-style: chr12-56169801-G-A. GRCh37 (hg19) VCF-style: chr12-56563585-G-A.
Other names: c.2523C>T, p.Ser841= (NM_001130420.3, NM_139067.4); c.2430C>T, p.Ser810= (NM_003075.5).
Identifiers: ClinVar variation 2643075 (VCV002643075.24), dbSNP rs148688009, ClinGen allele CA6625769.

ClinVar aggregate classification (germline): Likely benign (1 of 4 stars; one submission).

Allele frequency attached by ClinVar (database versions not stated): gnomAD exomes 0.00035; ExAC 0.00135; 1000 Genomes Project 30x 0.00328; 1000 Genomes Project 0.00359; gnomAD 0.00385; TOPMed 0.00424; ESP Exome Variant Server 0.00438.
gnomAD v4.1: 1,106 of 1,613,932 alleles (0.069%); highest among the groups gnomAD compares: African/African-American, 1.3%; 8 homozygotes.

Submission:

CeGaT Center for Human Genetics Tuebingen
Classification: Likely benign. Last evaluated: 2026-03-01. Review status: criteria provided, single submitter. Criteria: CeGaT Center For Human Genetics Tuebingen Variant Classification Criteria Version 2. Collection method: clinical testing. Allele origin: germline. Affected: yes. Observed: 3 variant alleles.
Comment: SMARCC2: BP4, BP7, BS1